The following is an entry in ClinVar:

ClinVar aggregate classification (germline): Likely benign. Review status: criteria provided, multiple submitters, no conflicts (2 of 4 stars). 2 submissions from 2 submitters: Likely benign (2). Last evaluated 2024-11-07.

Conditions:
Hereditary spastic paraplegia 54. Also called: Spastic paraplegia 54, autosomal recessive. Identifiers: Orphanet 320380, MedGen C3539495, MONDO:0014018, OMIM 615033.

Allele frequency attached by ClinVar (database versions not stated): TOPMed 0.00006; gnomAD 0.00009; ESP Exome Variant Server 0.00015.
gnomAD v4.1: 186 of 1,612,838 alleles (0.012%); highest among the groups gnomAD compares: Non-Finnish European, 0.013%; no homozygotes.

Submissions (2):

Labcorp Genetics (formerly Invitae), Labcorp
Classification: Likely benign for Hereditary spastic paraplegia 54. Last evaluated: 2024-11-07. Review status: criteria provided, single submitter. Criteria: Invitae Variant Classification Sherloc (09022015). Collection method: clinical testing. Allele origin: germline.

GeneDx
Classification: Likely benign. Last evaluated: 2018-06-07. Review status: criteria provided, single submitter. Criteria: GeneDx Variant Classification (06012015). Collection method: clinical testing. Allele origin: germline. Affected: yes.
Comment: This variant is considered likely benign or benign based on one or more of the following criteria: it is a conservative change, it occurs at a poorly conserved position in the protein, it is predicted to be benign by multiple in silico algorithms, and/or has population frequency not consistent with disease.

NM_015214.3(DDHD2):c.622+12C>T

Gene: DDHD2 (DDHD domain containing 2; plus strand). Cytogenetic location: 8p11.23.
Variant type: single nucleotide variant.
Coding change: c.622+12C>T on transcript NM_015214.3 (MANE Select); 12 bases into the intron after coding-DNA position 622, C replaced by T.
Molecular consequence: intron variant. On other transcripts: missense variant (1).
Genome position (GRCh38, 1-based): chr8:38,238,221, C>T. VCF-style: chr8-38238221-C-T. GRCh37 (hg19) VCF-style: chr8-38095739-C-T.
Other names: c.634C>T, p.Arg212Cys (NM_001164234.2); c.622+12C>T (NM_001362914.2, NM_001362913.2, NM_001362912.2 and 2 more transcripts); short protein forms R212C.
Identifiers: ClinVar variation 668479 (VCV000668479.3), dbSNP rs185403049, ClinGen allele CA4716029.
Genomic context (GRCh38, chr8:38,238,221, plus strand): 5'-AGAACTGTGAAGAGAGGAGTTGAGAACATCTCTGTTGACATTCATTGTGGTAATGTTAAT[C>T]GTTTATTTTTTCTTACCTTTGGATGTATTTGTTTACTCCTTAAATTGTGACCTTTTTCTG-3'